The following is an entry in ClinVar:

NM_004036.5(ADCY3):c.3014C>G (p.Ser1005Cys)

Genes: ADCY3 (adenylate cyclase 3; minus strand), CENPO (centromere protein O; plus strand). Cytogenetic location: 2p23.3.
Variant type: single nucleotide variant.
Coding change: c.3014C>G on transcript NM_004036.5 (MANE Select); coding-DNA position 3014, C replaced by G.
Protein change: p.Ser1005Cys; replaces serine 1005 with cysteine.
Molecular consequence: missense variant. On other transcripts: 3 prime UTR variant (3), non-coding transcript variant (3).
Genome position (GRCh38, 1-based): chr2:24,821,630, G>C on the plus strand (C>G on the coding strand, the complement: ADCY3 is on the minus strand). VCF-style: chr2-24821630-G-C. GRCh37 (hg19) VCF-style: chr2-25044499-G-C.
Other names: c.3017C>G, p.Ser1006Cys (NM_001320613.2); c.3080C>G, p.Ser1027Cys (NM_001377128.1); c.2876C>G, p.Ser959Cys (NM_001377129.1); c.2462C>G, p.Ser821Cys (NM_001377130.1); c.2291C>G, p.Ser764Cys (NM_001377131.1); c.3014C>G, p.Ser1005Cys (NM_001377132.1); c.*2312G>C (NM_001199803.3, NM_001322101.2, NM_024322.4); short protein forms S1005C, S1006C, S1027C, S764C, S821C, S959C.
Identifiers: ClinVar variation 3344574 (VCV003344574.1).

ClinVar aggregate classification (germline): Uncertain significance (0 of 4 stars; one submission).

Conditions:
ADCY3-related disorder. Also called: ADCY3-related condition.

Submission:

PreventionGenetics, part of Exact Sciences
Classification: Uncertain significance for ADCY3-related condition. Last evaluated: 2024-07-17. Review status: no assertion criteria provided. Collection method: clinical testing. Allele origin: germline.
Comment: The ADCY3 c.3017C>G variant is predicted to result in the amino acid substitution p.Ser1006Cys. To our knowledge, this variant has not been reported in the literature or in a large population database, indicating this variant is rare. At this time, the clinical significance of this variant is uncertain due to the absence of conclusive functional and genetic evidence.